The following is an entry in ClinVar:

NM_001122955.4(BSCL2):c.624G>A (p.Ser208=)

Genes: BSCL2 (BSCL2 lipid droplet biogenesis associated, seipin; minus strand), HNRNPUL2-BSCL2 (HNRNPUL2-BSCL2 readthrough (NMD candidate); minus strand). Cytogenetic location: 11q12.3.
Variant type: single nucleotide variant.
Coding change: c.624G>A on transcript NM_001122955.4 (MANE Select); coding-DNA position 624, G replaced by A.
Protein change: p.Ser208=; no amino-acid change (serine 208 retained).
Molecular consequence: synonymous variant. On other transcripts: non-coding transcript variant (1).
Genome position (GRCh38, 1-based): chr11:62,694,574, C>T on the plus strand (G>A on the coding strand, the complement: BSCL2 is on the minus strand). VCF-style: chr11-62694574-C-T. GRCh37 (hg19) VCF-style: chr11-62462046-C-T.
Other names: c.432G>A, p.Ser144= (NM_001130702.2, NM_032667.6); c.624G>A, p.Ser208= (NM_001386027.1, NM_001386028.1); c.624G>A (NM_001122955.3).
Identifiers: ClinVar variation 697875 (VCV000697875.13), dbSNP rs138532996, ClinGen allele CA6053519.
Genomic context (GRCh38, chr11:62,694,574, plus strand): 5'-TTCTGATCCTGCCATCTTCCTCCACACCTTCTCAGACAGGCCACCAACACTTACCGAACG[C>T]GAAGAAGTGGAGATGATTCGGCCACCTCTGGTGTAGCAGGAAATGGTGACCAAGAACATG-3'
Protein context (NP_001116427.1, residues 198-218): TRGGRIISTS[Ser208=]RSVMLHYRSD

ClinVar aggregate classification (germline): Likely benign. Review status: criteria provided, multiple submitters, no conflicts (2 of 4 stars). 3 submissions from 3 submitters: Likely benign (3). Last evaluated 2025-12-05.

Conditions:
Hereditary spastic paraplegia 17. Also called: Silver spastic paraplegia syndrome; Spastic Paraplegia 17; Autosomal dominant spastic paraplegia type 17; Silver Syndrome; SPASTIC PARAPLEGIA WITH AMYOTROPHY OF HANDS AND FEET. Identifiers: Orphanet 100998, MedGen C2931276, MONDO:0010043, OMIM 270685.
Neuronopathy, distal hereditary motor, type 5C. Also called: DHMN VC; NEURONOPATHY, DISTAL HEREDITARY MOTOR, AUTOSOMAL DOMINANT 13; NEURONOPATHY, DISTAL HEREDITARY MOTOR, HARDING TYPE VC; NEUROPATHY, DISTAL HEREDITARY MOTOR, HARDING TYPE VC; SPINAL MUSCULAR ATROPHY, DISTAL, HARDING TYPE VC. Identifiers: MedGen C5436838, MONDO:0030860, OMIM 619112.
Severe neurodegenerative syndrome with lipodystrophy. Also called: ENCEPHALOPATHY, PROGRESSIVE, WITH LIPODYSTROPHY; Encephalopathy, progressive, with or without lipodystrophy. Identifiers: Orphanet 363400, MedGen C4014700, MONDO:0014402, OMIM 615924.
Congenital generalized lipodystrophy type 2 (CGL2). Also called: Berardinelli-Seip Congenital Lipodystrophy Type 2; BERARDINELLI SYNDROME; BRUNZELL SYNDROME, BSCL2-RELATED; SEIP SYNDROME. Identifiers: Orphanet 528, Orphanet 696289, MedGen C1720863, MONDO:0010020, OMIM 269700.
Charcot-Marie-Tooth disease type 2. Also called: Charcot-Marie-Tooth type 2. Identifiers: Orphanet 64746, MedGen C0270914, MONDO:0018993.
BSCL2-related disorder. Also called: BSCL2-Related Disorders; BSCL2-related condition.

Allele frequency attached by ClinVar (database versions not stated): gnomAD exomes 0.00002 and 0.00005; ExAC 0.00009; ESP Exome Variant Server 0.00023; gnomAD 0.00023 and 0.00024; TOPMed 0.00025.
gnomAD v4.1: 69 of 1,613,802 alleles (0.0043%); highest among the groups gnomAD compares: African/African-American, 0.068%; no homozygotes.

Submissions (3):

PreventionGenetics, part of Exact Sciences
Classification: Likely benign for BSCL2-related condition. Last evaluated: 2025-12-05. Review status: criteria provided, single submitter. Criteria: ACMG Guidelines, 2015. Collection method: clinical testing. Allele origin: germline.
Comment: This variant is classified as likely benign based on ACMG/AMP sequence variant interpretation guidelines (Richards et al. 2015 PMID: 25741868, with internal and published modifications).

Labcorp Genetics (formerly Invitae), Labcorp
Classification: Likely benign for Charcot-Marie-Tooth disease type 2. Last evaluated: 2025-01-29. Review status: criteria provided, single submitter. Criteria: Invitae Variant Classification Sherloc (09022015). Collection method: clinical testing. Allele origin: germline.

Fulgent Genetics
Classification: Likely benign for Congenital generalized lipodystrophy type 2; Hereditary spastic paraplegia 17; Severe neurodegenerative syndrome with lipodystrophy; Neuronopathy, distal hereditary motor, type 5C. Last evaluated: 2021-09-17. Review status: criteria provided, single submitter. Criteria: ACMG Guidelines, 2015. Collection method: clinical testing. Allele origin: unknown.